The following is an entry in ClinVar:

NM_001048174.2(MUTYH):c.1006C>T (p.Arg336Cys)

Gene: MUTYH (mutY DNA glycosylase; minus strand). Cytogenetic location: 1p34.1.
Variant type: single nucleotide variant.
Coding change: c.1006C>T on transcript NM_001048174.2 (MANE Select); coding-DNA position 1006, C replaced by T.
Protein change: p.Arg336Cys; replaces arginine 336 with cysteine.
Molecular consequence: missense variant. On other transcripts: non-coding transcript variant (2).
Genome position (GRCh38, 1-based): chr1:45,331,757, G>A on the plus strand (C>T on the coding strand, the complement: MUTYH is on the minus strand). VCF-style: chr1-45331757-G-A. GRCh37 (hg19) VCF-style: chr1-45797429-G-A.
Other names: c.1006C>T, p.Arg336Cys (NM_001048171.2, NM_001048173.2, NM_001293195.2); c.1009C>T, p.Arg337Cys (NM_001048172.2); c.1090C>T, p.Arg364Cys (NM_001128425.2); c.1051C>T, p.Arg351Cys (NM_001293190.2); c.1039C>T, p.Arg347Cys (NM_001293191.2); c.730C>T, p.Arg244Cys (NM_001293192.2, NM_001293196.2); c.661C>T, p.Arg221Cys (NM_001350650.2, NM_001350651.2); c.1081C>T, p.Arg361Cys (NM_012222.3); short protein forms R364C, R347C, R361C, R221C, R244C, R351C, R336C, R337C.
Identifiers: ClinVar variation 156508 (VCV000156508.26), dbSNP rs151316420, ClinGen allele CA012086.

ClinVar aggregate classification (germline): Conflicting classifications of pathogenicity. Review status: criteria provided, conflicting classifications (1 of 4 stars). 6 submissions from 6 submitters: Uncertain significance (4); Likely benign (1). 1 of the submissions does not count toward it. Last evaluated 2026-01-10.

Conditions:
Hereditary cancer-predisposing syndrome. Also called: Neoplastic Syndromes, Hereditary; Hereditary Cancer Syndrome; Tumor predisposition; Hereditary neoplastic syndrome. Identifiers: Orphanet 140162, MedGen C0027672, MeSH D009386, MONDO:0015356.
Carcinoma of colon (CRC). Also called: Colon carcinoma; Colonic carcinoma. Identifiers: MedGen C0699790, MONDO:0002032.
Familial adenomatous polyposis 2. Also called: MUTYH-associated polyposis; MUTYH Polyposis; FAP type 2; Adenomas, multiple colorectal; COLORECTAL ADENOMATOUS POLYPOSIS, AUTOSOMAL RECESSIVE; ADENOMAS, MULTIPLE COLORECTAL, AUTOSOMAL RECESSIVE. Identifiers: Orphanet 220460, Orphanet 247798, MedGen C3272841, MONDO:0012041, OMIM 608456.

Allele frequency attached by ClinVar (database versions not stated): gnomAD 0.00001; gnomAD exomes 0.00001; TOPMed 0.00001; ExAC 0.00003; ESP Exome Variant Server 0.00023.

Submissions (6):

Labcorp Genetics (formerly Invitae), Labcorp
Classification: Uncertain significance for Familial adenomatous polyposis 2. Last evaluated: 2026-01-10. Review status: criteria provided, single submitter. Criteria: Invitae Variant Classification Sherloc (09022015). Collection method: clinical testing. Allele origin: germline.
Comment: This sequence change replaces arginine, which is basic and polar, with cysteine, which is neutral and slightly polar, at codon 364 of the MUTYH protein (p.Arg364Cys). This variant is present in population databases (rs151316420, gnomAD 0.002%). This variant has not been reported in the literature in individuals affected with MUTYH-related conditions. ClinVar contains an entry for this variant (Variation ID: 156508). An algorithm developed to predict the effect of missense changes on protein structure and function (PolyPhen-2) suggests that this variant is likely to be disruptive. In summary, the available evidence is currently insufficient to determine the role of this variant in disease. Therefore, it has been classified as a Variant of Uncertain Significance.

Ambry Genetics
Classification: Likely benign for Hereditary cancer-predisposing syndrome. Last evaluated: 2025-08-19. Review status: criteria provided, single submitter. Criteria: Ambry Variant Classification Scheme 2023. Collection method: clinical testing. Allele origin: germline.

All of Us Research Program, National Institutes of Health
Classification: Uncertain significance for Familial adenomatous polyposis 2. Last evaluated: 2023-10-23. Review status: criteria provided, single submitter. Criteria: ACMG Guidelines, 2015. Collection method: clinical testing. Allele origin: germline. Inheritance: Autosomal recessive inheritance. Observed: 1 variant allele, 1 heterozygote.
Comment: This missense variant replaces arginine with cysteine at codon 364 of the MUTYH protein. Computational prediction is inconclusive regarding the impact of this variant on protein structure and function (internally defined REVEL score threshold 0.5 < inconclusive < 0.7, PMID: 27666373). To our knowledge, functional studies have not been reported for this variant. This variant has been reported in an individual affected with endometrial cancer in the literature (PMID: 27443514). This variant has been identified in 2/249872 chromosomes in the general population by the Genome Aggregation Database (gnomAD). The available evidence is insufficient to determine the role of this variant in disease conclusively. Therefore, this variant is classified as a Variant of Uncertain Significance.

This study involves interpretation of variants in research participants for the purpose of population health screening. Participant phenotype was not available at the time of variant classification. Additional details can be found in publication PMID: 35346344, PMCID: PMC8962531

GeneDx
Classification: Uncertain significance. Last evaluated: 2023-10-04. Review status: criteria provided, single submitter. Criteria: GeneDx Variant Classification Process June 2021. Collection method: clinical testing. Allele origin: germline. Affected: yes.
Comment: Not observed at significant frequency in large population cohorts (gnomAD); In silico analysis, which includes protein predictors and evolutionary conservation, supports a deleterious effect; Observed in an individual with endometrial cancer in published literature (Ring et al., 2016); This variant is associated with the following publications: (PMID: 27443514)

Color Diagnostics, LLC DBA Color Health
Classification: Uncertain significance for Hereditary cancer-predisposing syndrome. Last evaluated: 2023-10-03. Review status: criteria provided, single submitter. Criteria: ACMG Guidelines, 2015. Collection method: clinical testing. Allele origin: germline.
Comment: This missense variant replaces arginine with cysteine at codon 364 of the MUTYH protein. Computational prediction is inconclusive regarding the impact of this variant on protein structure and function (internally defined REVEL score threshold 0.5 < inconclusive < 0.7, PMID: 27666373). To our knowledge, functional studies have not been reported for this variant. This variant has been reported in an individual affected with endometrial cancer in the literature (PMID: 27443514). This variant has been identified in 2/249872 chromosomes in the general population by the Genome Aggregation Database (gnomAD). The available evidence is insufficient to determine the role of this variant in disease conclusively. Therefore, this variant is classified as a Variant of Uncertain Significance.

Pathway Genomics
Classification: Uncertain significance for Carcinoma of colon. Last evaluated: 2014-07-24. Review status: no assertion criteria provided. Collection method: clinical testing. Allele origin: germline. Not counted in ClinVar's aggregate classification.

Literature cited by the submitters: PubMed 27443514 (cited by 3 submitters); PubMed 40738107 (cited by Ambry Genetics).